The following is an entry in ClinVar:

NC_000007.13:g.(?_107556049)_(107558012_?)del

Gene: DLD (dihydrolipoamide dehydrogenase; plus strand). Cytogenetic location: 7q31.1.
Variant type: Deletion.
Identifiers: ClinVar variation 1398789 (VCV001398789.4).

ClinVar aggregate classification (germline): Pathogenic (1 of 4 stars; one submission).

Conditions:
Pyruvate dehydrogenase E3 deficiency (DLDD). Also called: Dihydrolipoamide Dehydrogenase (E3) Deficiency; DLD DEFICIENCY; E3 DEFICIENCY; Dihydrolipoamide Dehydrogenase E3 Deficiency; Dihydrolipoamide Dehydrogenase Deficiency; Lipoamide dehydrogenase deficiency, lactic acidosis due to. Identifiers: Orphanet 2394, Orphanet 765, MedGen C5574660, MONDO:0009529, OMIM 246900.

Submission:

Labcorp Genetics (formerly Invitae), Labcorp
Classification: Pathogenic for Pyruvate dehydrogenase E3 deficiency. Last evaluated: 2021-04-23. Review status: criteria provided, single submitter. Criteria: Invitae Variant Classification Sherloc (09022015). Collection method: clinical testing. Allele origin: germline.
Comment: For these reasons, this variant has been classified as Pathogenic. This variant disrupts the p.Glu375 amino acid residue in DLD. Other variant(s) that disrupt this residue have been determined to be pathogenic (PMID: 9540846, 16770810, 27290639, 11687750, 18362926, 21930696, 21558426). This suggests that this residue is clinically significant, and that variants that disrupt this residue are likely to be disease-causing. This variant has not been reported in the literature in individuals with DLD-related conditions. This variant results in the deletion of exon(s) 10-11 and part of exon 9 (c.783_1236+105del) of the DLD gene. It is expected to disrupt RNA splicing. Variants that disrupt the donor or acceptor splice site typically lead to a loss of protein function (PMID: 16199547), and loss-of-function variants in DLD are known to be pathogenic (PMID: 8968745, 9934985).

Literature cited by the submitters: PubMed 9540846; PubMed 16770810; PubMed 27290639; PubMed 11687750; PubMed 18362926; PubMed 21930696; PubMed 21558426; PubMed 16199547; PubMed 8968745; PubMed 9934985.